The following is an entry in ClinVar:

NM_058004.4(PI4KA):c.5659G>A (p.Val1887Met)

Gene: PI4KA (phosphatidylinositol 4-kinase alpha; minus strand). Cytogenetic location: 22q11.21.
Variant type: single nucleotide variant.
Coding change: c.5659G>A on transcript NM_058004.4 (MANE Select); coding-DNA position 5659, G replaced by A.
Protein change: p.Val1887Met; replaces valine 1887 with methionine.
Molecular consequence: missense variant.
Genome position (GRCh38, 1-based): chr22:20,712,710, C>T on the plus strand (G>A on the coding strand, the complement: PI4KA is on the minus strand). VCF-style: chr22-20712710-C-T. GRCh37 (hg19) VCF-style: chr22-21066998-C-T.
Other names: c.5566G>A, p.Val1856Met (NM_001362862.2); c.5593G>A, p.Val1865Met (NM_001362863.2); short protein forms V1887M, V1856M, V1865M.
Identifiers: ClinVar variation 4627438 (VCV004627438.1).
Genomic context (GRCh38, chr22:20,712,710, plus strand): 5'-AGGTGCCCAGGGCTGCCCTACTGGCTCCACTCAGGGAACTTACCCCAGGGGCAGTGGCCA[C>T]CACGCGGTAGGGAAAAACAAAGAGGTCCAGGCCGACCAGCTGGAAGATGTTCTTGAAGAG-3'
Protein context (NP_477352.3, residues 1877-1897): LDLFVFPYRV[Val1887Met]ATAPGCGVIE

ClinVar aggregate classification (germline): Uncertain significance (1 of 4 stars; one submission).

Conditions:
Inborn genetic diseases. Identifiers: MedGen C0950123, MeSH D030342.

gnomAD v4.1: 1 of 1,550,522 alleles (0.000064%); highest among the groups gnomAD compares: South Asian, 0.0012%; no homozygotes.

Submission:

Ambry Genetics
Classification: Uncertain significance for Inborn genetic diseases. Last evaluated: 2025-10-02. Review status: criteria provided, single submitter. Criteria: Ambry Variant Classification Scheme 2023. Collection method: clinical testing. Allele origin: germline.
Comment: The c.5659G>A (p.V1887M) alteration is located in exon 49 (coding exon 49) of the PI4KA gene. This alteration results from a G to A substitution at nucleotide position 5659, causing the valine (V) at amino acid position 1887 to be replaced by a methionine (M). Based on data from gnomAD, the A allele has an overall frequency of <0.001% (1/192020) total alleles studied. The highest observed frequency was 0.001% (1/85718) of European (non-Finnish) alleles. Based on insufficient or conflicting evidence, the clinical significance of this alteration remains unclear.